The following is an entry in ClinVar:

ClinVar aggregate classification (germline): Uncertain significance (1 of 4 stars; one submission).

Conditions:
Wilson disease (WND). Also called: Wilson's disease. Identifiers: Orphanet 905, MedGen C0019202, MONDO:0010200, OMIM 277900. Disease mechanism: loss of function.

Allele frequency attached by ClinVar (database versions not stated): 1000 Genomes Project 30x 0.00016; 1000 Genomes Project 0.00020.
gnomAD v4.1: 17 of 1,614,190 alleles (0.0011%); highest among the groups gnomAD compares: South Asian, 0.016%; 1 homozygote.

Submission:

All of Us Research Program, National Institutes of Health
Classification: Uncertain significance for Wilson disease. Last evaluated: 2023-12-13. Review status: criteria provided, single submitter. Criteria: ACMG Guidelines, 2015. Collection method: clinical testing. Allele origin: germline. Inheritance: Autosomal recessive inheritance. Observed: 1 variant allele, 1 heterozygote.
Comment: This missense variant replaces arginine with lysine at codon 1320 of the ATP7B protein. Computational prediction is inconclusive regarding the impact of this variant on protein structure and function (internally defined REVEL score threshold 0.5 < inconclusive < 0.7, PMID: 27666373). To our knowledge, functional studies have not been reported for this variant. This variant has not been reported in individuals affected with ATP7B-related disorders in the literature. This variant has been identified in 5/249584 chromosomes in the general population by the Genome Aggregation Database (gnomAD). The available evidence is insufficient to determine the role of this variant in disease conclusively. Therefore, this variant is classified as a Variant of Uncertain Significance.

This study involves interpretation of variants in research participants for the purpose of population health screening. Participant phenotype was not available at the time of variant classification. Additional details can be found in publication PMID: 35346344, PMCID: PMC8962531

NM_000053.4(ATP7B):c.3959G>A (p.Arg1320Lys)

Gene: ATP7B (ATPase copper transporting beta; minus strand). Cytogenetic location: 13q14.3.
Variant type: single nucleotide variant.
Coding change: c.3959G>A on transcript NM_000053.4 (MANE Select); coding-DNA position 3959, G replaced by A.
Protein change: p.Arg1320Lys; replaces arginine 1320 with lysine.
Molecular consequence: missense variant.
Genome position (GRCh38, 1-based): chr13:51,937,338, C>T on the plus strand (G>A on the coding strand, the complement: ATP7B is on the minus strand). VCF-style: chr13-51937338-C-T. GRCh37 (hg19) VCF-style: chr13-52511474-C-T.
Other names: c.3512G>A, p.Arg1171Lys (NM_001406540.1); c.3473G>A, p.Arg1158Lys (NM_001406541.1, NM_001406542.1); c.3467G>A, p.Arg1156Lys (NM_001406543.1); c.3377G>A, p.Arg1126Lys (NM_001406544.1); c.3311G>A, p.Arg1104Lys (NM_001406545.1); c.3278G>A, p.Arg1093Lys (NM_001406546.1); c.3116G>A, p.Arg1039Lys (NM_001406547.1); c.2669G>A, p.Arg890Lys (NM_001406548.1); and 21 more; short protein forms R1039K, R1093K, R1104K, R1113K, R1126K, R1156K, R1158K, R1171K.
Identifiers: ClinVar variation 3073659 (VCV003073659.1), dbSNP rs548512104, ClinGen allele CA6988528.